The following is an entry in ClinVar:

ClinVar aggregate classification (germline): Uncertain significance (1 of 4 stars; one submission).

gnomAD v4.1: 6 of 1,611,722 alleles (0.00037%); highest among the groups gnomAD compares: Middle Eastern, 0.017%; no homozygotes.

Submission:

Labcorp Genetics (formerly Invitae), Labcorp
Classification: Uncertain significance. Last evaluated: 2024-11-19. Review status: criteria provided, single submitter. Criteria: Invitae Variant Classification Sherloc (09022015). Collection method: clinical testing. Allele origin: germline.
Comment: This sequence change replaces leucine, which is neutral and non-polar, with valine, which is neutral and non-polar, at codon 669 of the JAK2 protein (p.Leu669Val). This variant is present in population databases (rs747652188, gnomAD 0.006%). This variant has not been reported in the literature in individuals affected with JAK2-related conditions. Invitae Evidence Modeling of protein sequence and biophysical properties (such as structural, functional, and spatial information, amino acid conservation, physicochemical variation, residue mobility, and thermodynamic stability) indicates that this missense variant is not expected to disrupt JAK2 protein function with a negative predictive value of 80%. In summary, the available evidence is currently insufficient to determine the role of this variant in disease. Therefore, it has been classified as a Variant of Uncertain Significance.

NM_004972.4(JAK2):c.2005C>G (p.Leu669Val)

Genes: INSL6 (insulin like 6; minus strand), JAK2 (Janus kinase 2; plus strand). Cytogenetic location: 9p24.1.
Variant type: single nucleotide variant.
Coding change: c.2005C>G on transcript NM_004972.4 (MANE Select); coding-DNA position 2005, C replaced by G.
Protein change: p.Leu669Val; replaces leucine 669 with valine.
Molecular consequence: missense variant. On other transcripts: non-coding transcript variant (2).
Genome position (GRCh38, 1-based): chr9:5,078,318, C>G. VCF-style: chr9-5078318-C-G. GRCh37 (hg19) VCF-style: chr9-5078318-C-G.
Other names: c.2005C>G, p.Leu669Val (NM_001322194.2, NM_001322195.2, NM_001322196.2); c.790C>G, p.Leu264Val (NM_001322198.2, NM_001322199.2); c.1558C>G, p.Leu520Val (NM_001322204.2); short protein forms L520V, L669V, L264V.
Identifiers: ClinVar variation 3693076 (VCV003693076.2).